The following is an entry in ClinVar:

ClinVar aggregate classification (germline): Uncertain significance (1 of 4 stars; one submission).

Conditions:
Hereditary cancer-predisposing syndrome. Also called: Hereditary neoplastic syndrome; Neoplastic Syndromes, Hereditary; Tumor predisposition; Hereditary Cancer Syndrome. Identifiers: Orphanet 140162, MedGen C0027672, MeSH D009386, MONDO:0015356.

Submission:

Ambry Genetics
Classification: Uncertain significance for Hereditary cancer-predisposing syndrome. Last evaluated: 2024-12-28. Review status: criteria provided, single submitter. Criteria: Ambry Variant Classification Scheme 2023. Collection method: clinical testing. Allele origin: germline.
Comment: The p.I732N variant (also known as c.2195T>A), located in coding exon 19 of the EGFR gene, results from a T to A substitution at nucleotide position 2195. The isoleucine at codon 732 is replaced by asparagine, an amino acid with dissimilar properties. This amino acid position is conserved. In addition, the in silico prediction for this alteration is inconclusive. Based on the available evidence, the clinical significance of this variant remains unclear.

NM_005228.5(EGFR):c.2195T>A (p.Ile732Asn)

Gene: EGFR (epidermal growth factor receptor; plus strand). Cytogenetic location: 7p11.2.
Variant type: single nucleotide variant.
Coding change: c.2195T>A on transcript NM_005228.5 (MANE Select); coding-DNA position 2195, T replaced by A.
Protein change: p.Ile732Asn; replaces isoleucine 732 with asparagine.
Molecular consequence: missense variant.
Genome position (GRCh38, 1-based): chr7:55,174,732, T>A. VCF-style: chr7-55174732-T-A. GRCh37 (hg19) VCF-style: chr7-55242425-T-A.
Other names: c.2060T>A, p.Ile687Asn (NM_001346897.2, NM_001346899.2); c.2195T>A, p.Ile732Asn (NM_001346898.2); c.2036T>A, p.Ile679Asn (NM_001346900.2); c.1394T>A, p.Ile465Asn (NM_001346941.2); short protein forms I679N, I732N, I465N, I687N.
Identifiers: ClinVar variation 3843786 (VCV003843786.1).